The following is an entry in ClinVar:

ClinVar aggregate classification (germline): Conflicting classifications of pathogenicity. Review status: criteria provided, conflicting classifications (1 of 4 stars). 9 submissions from 9 submitters: Uncertain significance (6); Likely benign (2). 1 of the submissions does not count toward it. Last evaluated 2025-03-24.

Conditions:
Cardiovascular phenotype. Identifiers: MedGen CN230736.
Sudden cardiac death (SCD). Also called: Sudden adult death syndrome. Identifiers: MedGen C0085298, MeSH D016757, HP:0001645.
Arrhythmogenic right ventricular cardiomyopathy (ARVD). Also called: Arrhythmogenic cardiomyopathy; Cardiomyopathy, ARVC; Arrhythmogenic Right Ventricular Cardiomyopathy (ARVC); Arrhythmogenic right ventricular dysplasia. Identifiers: Orphanet 247, MedGen C0349788, MeSH D019571, MONDO:0016587. Disease mechanism: loss of function. Inheritance: Various modes of inheritance.
Cardiomyopathy (CMYO). Also called: Cardiomyopathies. Identifiers: Orphanet 167848, MedGen C0878544, MONDO:0004994, HP:0001638. Inheritance: Various modes of inheritance.
Arrhythmogenic right ventricular dysplasia 9 (ARVD9). Also called: Arrhythmogenic Right Ventricular Dysplasia/Cardiomyopathy 9; ARRHYTHMOGENIC RIGHT VENTRICULAR DYSPLASIA, FAMILIAL, 9. Identifiers: MedGen C1836906, MONDO:0012180, OMIM 609040.

Allele frequency attached by ClinVar (database versions not stated): gnomAD exomes 0.00001 and 0.00006; gnomAD 0.00002; TOPMed 0.00002; ExAC 0.00003.
gnomAD v4.1: 81 of 1,559,436 alleles (0.0052%); highest among the groups gnomAD compares: Non-Finnish European, 0.0067%; no homozygotes.

Submissions (9):

Color Diagnostics, LLC DBA Color Health
Classification: Likely benign for Cardiomyopathy. Last evaluated: 2025-03-24. Review status: criteria provided, single submitter. Criteria: ACMG Guidelines, 2015. Collection method: clinical testing. Allele origin: germline.

Labcorp Genetics (formerly Invitae), Labcorp
Classification: Uncertain significance for Arrhythmogenic right ventricular dysplasia 9. Last evaluated: 2024-10-30. Review status: criteria provided, single submitter. Criteria: Invitae Variant Classification Sherloc (09022015). Collection method: clinical testing. Allele origin: germline.
Comment: This sequence change replaces glycine, which is neutral and non-polar, with glutamic acid, which is acidic and polar, at codon 23 of the PKP2 protein (p.Gly23Glu). The frequency data for this variant in the population databases is considered unreliable, as metrics indicate poor data quality at this position in the gnomAD database. This missense change has been observed in individual(s) with arrhythmogenic right ventricular cardiomyopathy (PMID: 27532257). ClinVar contains an entry for this variant (Variation ID: 393010). An algorithm developed to predict the effect of missense changes on protein structure and function outputs the following: PolyPhen-2: "Benign". The glutamic acid amino acid residue is found in multiple mammalian species, which suggests that this missense change does not adversely affect protein function. In summary, the available evidence is currently insufficient to determine the role of this variant in disease. Therefore, it has been classified as a Variant of Uncertain Significance.

All of Us Research Program, National Institutes of Health
Classification: Uncertain significance for Arrhythmogenic right ventricular cardiomyopathy. Last evaluated: 2024-09-23. Review status: criteria provided, single submitter. Criteria: ACMG Guidelines, 2015. Collection method: clinical testing. Allele origin: germline. Inheritance: Autosomal dominant inheritance. Observed: 6 variant alleles, 6 heterozygotes.
Comment: This missense variant replaces glycine with glutamic acid at codon 23 of the PKP2 protein. Computational prediction suggests that this variant may not impact protein structure and function (internally defined REVEL score threshold <= 0.5, PMID: 27666373). To our knowledge, functional studies have not been reported for this variant. This variant has been reported in an individual affected with arrhythmogenic right ventricular cardiomyopathy (PMID: 27532257). This variant has been identified in 2/164112 chromosomes in the general population by the Genome Aggregation Database (gnomAD). The available evidence is insufficient to determine the role of this variant in disease conclusively. Therefore, this variant is classified as a Variant of Uncertain Significance.

This study involves interpretation of variants in research participants for the purpose of population health screening. Participant phenotype was not available at the time of variant classification. Additional details can be found in publication PMID: 35346344, PMCID: PMC8962531

Ambry Genetics
Classification: Uncertain significance for Cardiovascular phenotype. Last evaluated: 2024-07-25. Review status: criteria provided, single submitter. Criteria: Ambry Variant Classification Scheme 2023. Collection method: clinical testing. Allele origin: germline.
Comment: The p.G23E variant (also known as c.68G>A), located in coding exon 1 of the PKP2 gene, results from a G to A substitution at nucleotide position 68. The glycine at codon 23 is replaced by glutamic acid, an amino acid with similar properties. This alteration was identified in one patient with arrhythmogenic right ventricular cardiomyopathy (ARVC) in a large study of pathogenicity of Mendelian variants in cardiomyopathy patients, but clinical details are limited (Walsh R et al. Genet Med, 2017 02;19:192-203). This amino acid position is well conserved in available vertebrate species. In addition, this alteration is predicted to be tolerated by in silico analysis. Since supporting evidence is limited at this time, the clinical significance of this alteration remains unclear.

Blueprint Genetics
Classification: Likely benign. Last evaluated: 2024-07-25. Review status: criteria provided, single submitter. Criteria: ACMG Guidelines, 2015. Collection method: clinical testing. Allele origin: germline.

Fulgent Genetics
Classification: Uncertain significance for Arrhythmogenic right ventricular dysplasia 9. Last evaluated: 2021-09-06. Review status: criteria provided, single submitter. Criteria: ACMG Guidelines, 2015. Collection method: clinical testing. Allele origin: unknown.

Women's Health and Genetics/Laboratory Corporation of America, LabCorp
Classification: Uncertain significance. Last evaluated: 2017-11-01. Review status: criteria provided, single submitter. Criteria: LabCorp Variant Classification Summary - May 2015. Collection method: clinical testing. Allele origin: germline.
Comment: Variant summary: The PKP2 c.68G>A (p.Gly23Glu) variant causes a missense change involving the alteration of a non-conserved nucleotide. 2/3 in silico tools predict a benign outcome for this variant (SNPsandGO not captured due to low reliability index). This variant was found in 2/159624 control chromosomes at a frequency of 0.0000125, which does not exceed the estimated maximal expected allele frequency of a pathogenic PKP2 variant (0.0006502). However, this frequency must be considered with caution since this variant did not pass all quality control filters. This variant was reported in one individual in a cohort screened for HCM, DCM, and ARVC, without strong evidence for causality (Walsh_2017). One clinical diagnostic laboratory classified this variant as uncertain significance. Taken together, this variant is classified as VUS, until more clinical and functional data become available.

GeneDx
Classification: Uncertain significance. Last evaluated: 2017-01-23. Review status: criteria provided, single submitter. Criteria: GeneDx Variant Classification (06012015). Collection method: clinical testing. Allele origin: germline. Affected: yes.
Comment: The G23E variant has not been published as pathogenic or been reported as benign to our knowledge. The G23E variant is a non-conservative amino acid substitution, which is likely to impact secondary protein structure as these residues differ in polarity, charge, size and/or other properties. However, this substitution occurs at a position that is not conserved, and glutamic acid (E) is wild type in several species. In addition, in silico analysis is inconsistent in its predictions as to whether or not the variant is damaging to the protein structure/function. Finally, data from control individuals were not available to assess whether G23E may be a common benign variant in the general population (Lek et al., 2016; 1000 Genomes Consortium et al., 2015; Exome Variant Server).

Agnes Ginges Centre for Molecular Cardiology, Centenary Institute
Classification: Uncertain significance for Sudden cardiac death. Last evaluated: 2019-06-26. Review status: no assertion criteria provided. Collection method: research. Allele origin: germline. Inheritance: Autosomal dominant inheritance. Affected: yes. Not counted in ClinVar's aggregate classification.
Comment: This variant has been identified as part of our research program. For further information please feel free to contact us.

Literature cited by the submitters: PubMed 27532257 (cited by 4 submitters); PubMed 29802319 (cited by Ambry Genetics); PubMed 31402444 (cited by Ambry Genetics).

NM_001005242.3(PKP2):c.68G>A (p.Gly23Glu)

Gene: PKP2 (plakophilin 2; minus strand). Cytogenetic location: 12p11.21.
Variant type: single nucleotide variant.
Coding change: c.68G>A on transcript NM_001005242.3 (MANE Select); coding-DNA position 68, G replaced by A.
Protein change: p.Gly23Glu; replaces glycine 23 with glutamic acid.
Molecular consequence: missense variant.
Genome position (GRCh38, 1-based): chr12:32,896,664, C>T on the plus strand (G>A on the coding strand, the complement: PKP2 is on the minus strand). VCF-style: chr12-32896664-C-T. GRCh37 (hg19) VCF-style: chr12-33049598-C-T.
Other names: c.68G>A, p.Gly23Glu (NM_004572.4); short protein forms G23E.
Identifiers: ClinVar variation 393010 (VCV000393010.25), dbSNP rs746530389, ClinGen allele CA038367.